The following is an entry in ClinVar:

NM_020207.7(ERCC6L2):c.353C>T (p.Thr118Ile)

Gene: ERCC6L2 (ERCC excision repair 6 like 2; plus strand). Cytogenetic location: 9q22.32.
Variant type: single nucleotide variant.
Coding change: c.353C>T on transcript NM_020207.7 (MANE Select); coding-DNA position 353, C replaced by T.
Protein change: p.Thr118Ile; replaces threonine 118 with isoleucine.
Molecular consequence: missense variant. On other transcripts: non-coding transcript variant (1).
Genome position (GRCh38, 1-based): chr9:95,881,175, C>T. VCF-style: chr9-95881175-C-T. GRCh37 (hg19) VCF-style: chr9-98643457-C-T.
Other names: c.353C>T, p.Thr118Ile (NM_001010895.4, NM_001375291.1, NM_001375292.1 and 2 more transcripts); short protein forms T118I.
Identifiers: ClinVar variation 4019322 (VCV004019322.1).

ClinVar aggregate classification (germline): Uncertain significance (1 of 4 stars; one submission).

Conditions:
Inborn genetic diseases. Identifiers: MedGen C0950123, MeSH D030342.

Submission:

Ambry Genetics
Classification: Uncertain significance for Inborn genetic diseases. Last evaluated: 2025-04-19. Review status: criteria provided, single submitter. Criteria: Ambry Variant Classification Scheme 2023. Collection method: clinical testing. Allele origin: germline.
Comment: The p.T118I variant (also known as c.353C>T), located in coding exon 2 of the ERCC6L2 gene, results from a C to T substitution at nucleotide position 353. The threonine at codon 118 is replaced by isoleucine, an amino acid with similar properties. This amino acid position is conserved. In addition, this alteration is predicted to be deleterious by in silico analysis. Based on the available evidence, the clinical significance of this variant remains unclear.